The following is an entry in ClinVar:

NM_001734.5(C1S):c.1484C>T (p.Ser495Leu)

Gene: C1S (complement C1s; plus strand). Cytogenetic location: 12p13.31.
Variant type: single nucleotide variant.
Coding change: c.1484C>T on transcript NM_001734.5 (MANE Select); coding-DNA position 1484, C replaced by T.
Protein change: p.Ser495Leu; replaces serine 495 with leucine.
Molecular consequence: missense variant.
Genome position (GRCh38, 1-based): chr12:7,070,068, C>T. VCF-style: chr12-7070068-C-T. GRCh37 (hg19) VCF-style: chr12-7177372-C-T.
Other names: c.983C>T, p.Ser328Leu (NM_001346850.2); c.1484C>T, p.Ser495Leu (NM_201442.4); short protein forms S495L, S328L.
Identifiers: ClinVar variation 3641456 (VCV003641456.2).

ClinVar aggregate classification (germline): Uncertain significance (1 of 4 stars; one submission).

Submission:

Labcorp Genetics (formerly Invitae), Labcorp
Classification: Uncertain significance. Last evaluated: 2024-08-20. Review status: criteria provided, single submitter. Criteria: Invitae Variant Classification Sherloc (09022015). Collection method: clinical testing. Allele origin: germline.
Comment: This sequence change replaces serine, which is neutral and polar, with leucine, which is neutral and non-polar, at codon 495 of the C1S protein (p.Ser495Leu). This variant is not present in population databases (gnomAD no frequency). This variant has not been reported in the literature in individuals affected with C1S-related conditions. An algorithm developed to predict the effect of missense changes on protein structure and function (PolyPhen-2) suggests that this variant is likely to be tolerated. In summary, the available evidence is currently insufficient to determine the role of this variant in disease. Therefore, it has been classified as a Variant of Uncertain Significance.